The following is an entry in ClinVar:

NM_006231.4(POLE):c.4711T>C (p.Phe1571Leu)

Gene: POLE (DNA polymerase epsilon, catalytic subunit; minus strand). Cytogenetic location: 12q24.33.
Variant type: single nucleotide variant.
Coding change: c.4711T>C on transcript NM_006231.4 (MANE Select); coding-DNA position 4711, T replaced by C.
Protein change: p.Phe1571Leu; replaces phenylalanine 1571 with leucine.
Molecular consequence: missense variant.
Genome position (GRCh38, 1-based): chr12:132,642,837, A>G on the plus strand (T>C on the coding strand, the complement: POLE is on the minus strand). VCF-style: chr12-132642837-A-G. GRCh37 (hg19) VCF-style: chr12-133219423-A-G.
Other names: short protein forms F1571L.
Identifiers: ClinVar variation 3225462 (VCV003225462.1), dbSNP rs2138538850, ClinGen allele CA387378644.
Genomic context (GRCh38, chr12:132,642,837, plus strand): 5'-AAAGAAGATGGGGCTCACACAGCAAGACCCCAACCACTCTCACCTTGTAGGCGAGCAGGA[A>G]TCGCTGGATGGCTCTGCAGATGGTCTTCAGGTCAGTTTCTGCCCGAACTTCGAAGGTGTG-3'
Protein context (NP_006222.2, residues 1561-1581): LKTICRAIQR[Phe1571Leu]LLAYKEERRG

ClinVar aggregate classification (germline): Uncertain significance (1 of 4 stars; one submission).

Conditions:
Hereditary cancer-predisposing syndrome. Also called: Neoplastic Syndromes, Hereditary; Tumor predisposition; Hereditary neoplastic syndrome; Hereditary Cancer Syndrome. Identifiers: Orphanet 140162, MedGen C0027672, MeSH D009386, MONDO:0015356.

Submission:

Ambry Genetics
Classification: Uncertain significance for Hereditary cancer-predisposing syndrome. Last evaluated: 2023-02-15. Review status: criteria provided, single submitter. Criteria: Ambry Variant Classification Scheme 2023. Collection method: clinical testing. Allele origin: germline.
Comment: The p.F1571L variant (also known as c.4711T>C), located in coding exon 36 of the POLE gene, results from a T to C substitution at nucleotide position 4711. The phenylalanine at codon 1571 is replaced by leucine, an amino acid with highly similar properties. This amino acid position is conserved. In addition, this alteration is predicted to be tolerated by in silico analysis. Since supporting evidence is limited at this time, the clinical significance of this alteration remains unclear.